The following is an entry in ClinVar:

ClinVar aggregate classification (germline): Uncertain significance. Review status: criteria provided, multiple submitters, no conflicts (2 of 4 stars). 2 submissions from 2 submitters: Uncertain significance (2). Last evaluated 2025-12-02.

Conditions:
Intellectual developmental disorder, autosomal dominant 56. Also called: MENTAL RETARDATION, AUTOSOMAL DOMINANT 56; Intellectual disability, autosomal dominant 56. Identifiers: MedGen C4693389, MONDO:0030922, OMIM 617854.

Submissions (2):

3billion
Classification: Uncertain significance for Intellectual developmental disorder, autosomal dominant 56. Last evaluated: 2025-12-02. Review status: criteria provided, single submitter. Criteria: ACMG Guidelines, 2015. Collection method: clinical testing. Allele origin: germline. Affected: yes.
Comment: The variant is not observed in the gnomAD v4.1.0 dataset. Predicted Consequence/Location: Missense variant The variant has been reported as of uncertain significance (ClinVar ID: VCV002097746). Therefore, this variant is classified as VUS according to the recommendation of ACMG/AMP guideline.

Labcorp Genetics (formerly Invitae), Labcorp
Classification: Uncertain significance. Last evaluated: 2022-06-02. Review status: criteria provided, single submitter. Criteria: Invitae Variant Classification Sherloc (09022015). Collection method: clinical testing. Allele origin: germline.
Comment: In summary, the available evidence is currently insufficient to determine the role of this variant in disease. Therefore, it has been classified as a Variant of Uncertain Significance. Algorithms developed to predict the effect of missense changes on protein structure and function are either unavailable or do not agree on the potential impact of this missense change (SIFT: "Tolerated"; PolyPhen-2: "Not Available"; Align-GVGD: "Class C0"). This variant has not been reported in the literature in individuals affected with CLTC-related conditions. This variant is not present in population databases (gnomAD no frequency). This sequence change replaces serine, which is neutral and polar, with cysteine, which is neutral and slightly polar, at codon 175 of the CLTC protein (p.Ser175Cys).

NM_004859.4(CLTC):c.512C>G (p.Ser171Cys)

Gene: CLTC (clathrin heavy chain; plus strand). Cytogenetic location: 17q23.1.
Variant type: single nucleotide variant.
Coding change: c.512C>G on transcript NM_004859.4 (MANE Select); coding-DNA position 512, C replaced by G.
Protein change: p.Ser171Cys; replaces serine 171 with cysteine.
Molecular consequence: missense variant.
Genome position (GRCh38, 1-based): chr17:59,647,659, C>G. VCF-style: chr17-59647659-C-G. GRCh37 (hg19) VCF-style: chr17-57725020-C-G.
Other names: c.524C>G, p.Ser175Cys (NM_001288653.2); short protein forms S175C, S171C.
Identifiers: ClinVar variation 2097746 (VCV002097746.5), dbSNP rs2509361680, ClinGen allele CA400420575.